The following is an entry in ClinVar:

NM_173560.4(RFX6):c.338T>G (p.Ile113Ser)

Gene: RFX6 (regulatory factor X6; plus strand). Cytogenetic location: 6q22.1.
Variant type: single nucleotide variant.
Coding change: c.338T>G on transcript NM_173560.4 (MANE Select); coding-DNA position 338, T replaced by G.
Protein change: p.Ile113Ser; replaces isoleucine 113 with serine.
Molecular consequence: missense variant.
Genome position (GRCh38, 1-based): chr6:116,877,910, T>G. VCF-style: chr6-116877910-T-G. GRCh37 (hg19) VCF-style: chr6-117199073-T-G.
Other names: short protein forms I113S.
Identifiers: ClinVar variation 4977020 (VCV004977020.1).

ClinVar aggregate classification (germline): Uncertain significance (1 of 4 stars; one submission).

Conditions:
RFX6-related disorder. Also called: RFX6-related condition.

gnomAD v4.1: 29 of 1,613,932 alleles (0.0018%); highest among the groups gnomAD compares: Non-Finnish European, 0.0025%; 1 homozygote.

Submission:

PreventionGenetics, part of Exact Sciences
Classification: Uncertain significance for RFX6-related condition. Last evaluated: 2025-12-16. Review status: criteria provided, single submitter. Criteria: ACMG Guidelines, 2015. Collection method: clinical testing. Allele origin: germline.
Comment: The RFX6 c.338T>G variant is predicted to result in the amino acid substitution p.Ile113Ser. To our knowledge, this variant has not been reported in the literature. This variant is reported in 0.00088% of alleles in individuals of European (Non-Finnish) descent in gnomAD. At this time, the clinical significance of this variant is uncertain due to the absence of conclusive functional and genetic evidence.